The following is an entry in ClinVar:

NM_015450.3(POT1):c.64A>C (p.Ile22Leu)

Gene: POT1 (protection of telomeres 1; minus strand). Cytogenetic location: 7q31.33.
Variant type: single nucleotide variant.
Coding change: c.64A>C on transcript NM_015450.3 (MANE Select); coding-DNA position 64, A replaced by C.
Protein change: p.Ile22Leu; replaces isoleucine 22 with leucine.
Molecular consequence: missense variant. On other transcripts: 5 prime UTR variant (1), non-coding transcript variant (3).
Genome position (GRCh38, 1-based): chr7:124,892,326, T>G on the plus strand (A>C on the coding strand, the complement: POT1 is on the minus strand). VCF-style: chr7-124892326-T-G. GRCh37 (hg19) VCF-style: chr7-124532380-T-G.
Other names: c.-199A>C (NM_001042594.2); short protein forms I22L.
Identifiers: ClinVar variation 4862403 (VCV004862403.1).

ClinVar aggregate classification (germline): Uncertain significance (1 of 4 stars; one submission).

Conditions:
Hereditary cancer-predisposing syndrome. Also called: Neoplastic Syndromes, Hereditary; Tumor predisposition; Hereditary Cancer Syndrome; Hereditary neoplastic syndrome. Identifiers: Orphanet 140162, MedGen C0027672, MeSH D009386, MONDO:0015356.

Submission:

Ambry Genetics
Classification: Uncertain significance for Hereditary cancer-predisposing syndrome. Last evaluated: 2026-05-24. Review status: criteria provided, single submitter. Criteria: Ambry Variant Classification Scheme 2023. Collection method: clinical testing. Allele origin: germline.
Comment: The p.I22L variant (also known as c.64A>C), located in coding exon 2 of the POT1 gene, results from an A to C substitution at nucleotide position 64. The isoleucine at codon 22 is replaced by leucine, an amino acid with highly similar properties. This amino acid position is conserved. In addition, this alteration is predicted to be tolerated by in silico analysis. Based on the available evidence, the clinical significance of this variant remains unclear.